The following is an entry in ClinVar:

NM_001267550.2(TTN):c.599del (p.Pro200fs)

Gene: TTN (titin; minus strand). Cytogenetic location: 2q31.2.
Variant type: Deletion.
Coding change: c.599del on transcript NM_001267550.2 (MANE Select); coding-DNA position 599, one base deleted (C; older notation c.599delC).
Protein change: p.Pro200fs; shifts the reading frame from proline 200.
Molecular consequence: frameshift variant.
Genome position (GRCh38, 1-based): chr2:178,799,895, G deleted on the plus strand (C on the coding strand, the reverse complement: TTN is on the minus strand); the first of 2 consecutive G bases (chr2:178,799,895-178,799,896); deleting either gives the same sequence. VCF-style (leftmost placement, unchanged base first): chr2-178799894-AG-A. GRCh37 (hg19) VCF-style: chr2-179664621-AG-A.
Other names: c.599del, p.Pro200fs (NM_001256850.1, NM_003319.4, NM_133378.4 and 3 more transcripts); short protein forms P200fs.
Identifiers: ClinVar variation 2069012 (VCV002069012.4), dbSNP rs2534325318, ClinGen allele CA2580065381.
Genomic context (GRCh38, chr2:178,799,894, plus strand): 5'-TCGGGTTTGTCTTGATTCTGAGATCTGAGCAGTCGAAACAATTGTCTTTGTCTTTTTAGC[AG>A]GTACTTCTTCTTCACCTGTGGGAAGGGAAAGATGAATGTTTGGGAGGGGGCACAATGACC-3'

ClinVar aggregate classification (germline): Likely pathogenic (1 of 4 stars; one submission).

Conditions:
Dilated cardiomyopathy 1G (CMD1G). Identifiers: Orphanet 154, MedGen C1858763, MONDO:0011400, OMIM 604145.
Autosomal recessive limb-girdle muscular dystrophy type 2J (LGMDR10). Also called: Limb-girdle muscular dystrophy, type 2J; MUSCULAR DYSTROPHY, LIMB-GIRDLE, AUTOSOMAL RECESSIVE 10. Identifiers: Orphanet 140922, MedGen C1837342, MONDO:0012127, OMIM 608807.

Submission:

Labcorp Genetics (formerly Invitae), Labcorp
Classification: Likely pathogenic for Dilated cardiomyopathy 1G; Autosomal recessive limb-girdle muscular dystrophy type 2J. Last evaluated: 2024-11-04. Review status: criteria provided, single submitter. Criteria: Invitae Variant Classification Sherloc (09022015). Collection method: clinical testing. Allele origin: germline.
Comment: This sequence change creates a premature translational stop signal (p.Pro200Leufs*42) in the TTN gene. While this is not anticipated to result in nonsense mediated decay, it is expected to create a truncated TTN protein. This variant is not present in population databases (gnomAD no frequency). This variant has not been reported in the literature in individuals affected with TTN-related conditions. ClinVar contains an entry for this variant (Variation ID: 2069012). This variant is located in the Z band of TTN (PMID: 25589632). Truncating variants in this region have been reported in individuals affected with autosomal recessive centronuclear myopathy (PMID: 33449170, internal data). Truncating variants in this region have also been identified in individuals affected with autosomal dominant dilated cardiomyopathy and/or cardio-related conditions (PMID: 27869827, 32964742, internal data). In summary, the currently available evidence indicates that the variant is pathogenic, but additional data are needed to prove that conclusively. Therefore, this variant has been classified as Likely Pathogenic.

Literature cited by the submitters: PubMed 25589632; PubMed 33449170; PubMed 27869827; PubMed 32964742.